The following is an entry in ClinVar:

ClinVar aggregate classification (germline): Uncertain significance. Review status: criteria provided, multiple submitters, no conflicts (2 of 4 stars). 3 submissions from 3 submitters: Uncertain significance (3). Last evaluated 2025-11-24.

Conditions:
Inborn genetic diseases. Identifiers: MedGen C0950123, MeSH D030342.
Niemann-Pick disease, type B. Also called: Chronic Visceral ASMD (Niemann-Pick Disease Type B; NPD-B). Identifiers: Orphanet 77293, MedGen C0268243, MONDO:0011871, OMIM 607616. Disease mechanism: loss of function.
Niemann-Pick disease, type A. Also called: SPHINGOMYELIN LIPIDOSIS; SPHINGOMYELINASE DEFICIENCY; Infantile Neurovisceral ASMD (Niemann-Pick Disease Type A; NPD-A). Identifiers: Orphanet 77292, MedGen C0268242, MONDO:0009756, OMIM 257200. Disease mechanism: loss of function.

Allele frequency attached by ClinVar (database versions not stated): ExAC 0.00003; gnomAD exomes 0.00005; TOPMed 0.00005; gnomAD 0.00007; ESP Exome Variant Server 0.00008.

Submissions (3):

Labcorp Genetics (formerly Invitae), Labcorp
Classification: Uncertain significance for Niemann-Pick disease, type B; Niemann-Pick disease, type A. Last evaluated: 2025-11-24. Review status: criteria provided, single submitter. Criteria: Invitae Variant Classification Sherloc (09022015). Collection method: clinical testing. Allele origin: germline.
Comment: This sequence change replaces arginine, which is basic and polar, with cysteine, which is neutral and slightly polar, at codon 150 of the SMPD1 protein (p.Arg150Cys). This variant is present in population databases (rs143719170, gnomAD 0.02%). This variant has not been reported in the literature in individuals affected with SMPD1-related conditions. ClinVar contains an entry for this variant (Variation ID: 592194). Invitae Evidence Modeling of protein sequence and biophysical properties (such as structural, functional, and spatial information, amino acid conservation, physicochemical variation, residue mobility, and thermodynamic stability) has been performed for this missense variant. However, the output from this modeling did not meet the statistical confidence thresholds required to predict the impact of this variant on SMPD1 protein function. In summary, the available evidence is currently insufficient to determine the role of this variant in disease. Therefore, it has been classified as a Variant of Uncertain Significance.

Ambry Genetics
Classification: Uncertain significance for Inborn genetic diseases. Last evaluated: 2021-06-18. Review status: criteria provided, single submitter. Criteria: Ambry Variant Classification Scheme 2023. Collection method: clinical testing. Allele origin: germline.

Eurofins Ntd Llc (ga)
Classification: Uncertain significance. Last evaluated: 2018-03-06. Review status: criteria provided, single submitter. Criteria: EGL ClinVar v180209 classification definitions. Collection method: clinical testing. Allele origin: germline. Observed: 2 variant alleles, 1 heterozygote, 1 homozygote.

NM_000543.5(SMPD1):c.448C>T (p.Arg150Cys)

Gene: SMPD1 (sphingomyelin phosphodiesterase 1; plus strand). Cytogenetic location: 11p15.4.
Variant type: single nucleotide variant.
Coding change: c.448C>T on transcript NM_000543.5 (MANE Select); coding-DNA position 448, C replaced by T.
Protein change: p.Arg150Cys; replaces arginine 150 with cysteine.
Molecular consequence: missense variant. On other transcripts: 5 prime UTR variant (1), non-coding transcript variant (1).
Genome position (GRCh38, 1-based): chr11:6,391,513, C>T. VCF-style: chr11-6391513-C-T. GRCh37 (hg19) VCF-style: chr11-6412743-C-T.
Other names: c.448C>T (NM_000543.4); c.-514C>T (NM_001318088.2); c.448C>T, p.Arg150Cys (NM_001365135.2, NM_001318087.2); c.445C>T, p.Arg149Cys (NM_001007593.3); short protein forms R150C, R149C.
Identifiers: ClinVar variation 592194 (VCV000592194.8), dbSNP rs143719170, ClinGen allele CA5852605.